The following is an entry in ClinVar:

NM_003482.4(KMT2D):c.4418+5G>A

Gene: KMT2D (lysine methyltransferase 2D; minus strand). Cytogenetic location: 12q13.12.
Variant type: single nucleotide variant.
Coding change: c.4418+5G>A on transcript NM_003482.4 (MANE Select); 5 bases into the intron after coding-DNA position 4418, G replaced by A.
Molecular consequence: intron variant.
Genome position (GRCh38, 1-based): chr12:49,046,604, C>T on the plus strand (G>A on the coding strand, the complement: KMT2D is on the minus strand). VCF-style: chr12-49046604-C-T. GRCh37 (hg19) VCF-style: chr12-49440387-C-T.
Identifiers: ClinVar variation 158769 (VCV000158769.7), dbSNP rs587783717, ClinGen allele CA271643.
Genomic context (GRCh38, chr12:49,046,604, plus strand): 5'-CAACATCATATCCACTTTAACATCTCAAGGCCCCAGGGCTCCACTGAAGATCCCAGTCTC[C>T]TTACCACTTGCACTTCCAGCCGCCCTTGGGGACGGTGAGCAGTGGGGGGTCCAGGCAGTA-3'

ClinVar aggregate classification (germline): Conflicting classifications of pathogenicity. Review status: criteria provided, conflicting classifications (1 of 4 stars). 2 submissions from 2 submitters: Likely pathogenic (1); Uncertain significance (1). Last evaluated 2023-10-25.

Conditions:
Inborn genetic diseases. Identifiers: MedGen C0950123, MeSH D030342.
Kabuki syndrome 1 (KABUK1). Also called: KMT2D-Related Kabuki Syndrome. Identifiers: Orphanet 2322, MedGen CN030661, MONDO:0007843, OMIM 147920.

Submissions (2):

Ambry Genetics
Classification: Likely pathogenic for Inborn genetic diseases. Last evaluated: 2023-10-25. Review status: criteria provided, single submitter. Criteria: Ambry Variant Classification Scheme 2023. Collection method: clinical testing. Allele origin: germline.
Comment: The c.4418+5G>A intronic alteration results from a G to A substitution 5 nucleotides after coding exon in the KMT2D gene. This variant was not reported in population-based cohorts in the Genome Aggregation Database (gnomAD). This nucleotide position is highly conserved in available vertebrate species. In silico splice site analysis predicts that this alteration will weaken the native splice donor site. Based on the available evidence, this alteration is classified as likely pathogenic.

Genetic Services Laboratory, University of Chicago
Classification: Uncertain significance for Kabuki syndrome 1. Last evaluated: 2013-06-20. Review status: criteria provided, single submitter. Criteria: ACMG Guidelines, 2007. Collection method: clinical testing. Allele origin: germline. Inheritance: Autosomal dominant inheritance.